The following is an entry in ClinVar:

ClinVar aggregate classification (germline): Uncertain significance (1 of 4 stars; one submission).

Conditions:
Acute myeloid leukemia (AML). Also called: Leukemia, acute myeloid, somatic; Leukemia, acute myelogenous, somatic; Acute myeloid leukemia, adult; AML adult; Acute non-lymphocytic leukemia; Acute granulocytic leukemia. Identifiers: Orphanet 519, MedGen C0023467, MeSH D015470, MONDO:0018874, OMIM 601626, HP:0004808. Disease mechanism: Constitutively activated FLT3.

Allele frequency attached by ClinVar (database versions not stated): TOPMed below 0.00001; gnomAD 0.00001.

Submission:

Labcorp Genetics (formerly Invitae), Labcorp
Classification: Uncertain significance for Acute myeloid leukemia. Last evaluated: 2022-09-30. Review status: criteria provided, single submitter. Criteria: Invitae Variant Classification Sherloc (09022015). Collection method: clinical testing. Allele origin: germline.
Comment: This sequence change replaces histidine, which is basic and polar, with asparagine, which is neutral and polar, at codon 236 of the CEBPA protein (p.His236Asn). In summary, the available evidence is currently insufficient to determine the role of this variant in disease. Therefore, it has been classified as a Variant of Uncertain Significance. Advanced modeling of protein sequence and biophysical properties (such as structural, functional, and spatial information, amino acid conservation, physicochemical variation, residue mobility, and thermodynamic stability) performed at Invitae indicates that this missense variant is not expected to disrupt CEBPA protein function. This variant has not been reported in the literature in individuals affected with CEBPA-related conditions. This variant is present in population databases (no rsID available, gnomAD 0.007%).

NM_004364.5(CEBPA):c.706C>A (p.His236Asn)

Gene: CEBPA (CCAAT enhancer binding protein alpha; minus strand). Cytogenetic location: 19q13.11.
Variant type: single nucleotide variant.
Coding change: c.706C>A on transcript NM_004364.5 (MANE Select); coding-DNA position 706, C replaced by A.
Protein change: p.His236Asn; replaces histidine 236 with asparagine.
Molecular consequence: missense variant.
Genome position (GRCh38, 1-based): chr19:33,301,709, G>T on the plus strand (C>A on the coding strand, the complement: CEBPA is on the minus strand). VCF-style: chr19-33301709-G-T. GRCh37 (hg19) VCF-style: chr19-33792615-G-T.
Other names: c.349C>A, p.His117Asn (NM_001285829.2); c.811C>A, p.His271Asn (NM_001287424.2); c.664C>A, p.His222Asn (NM_001287435.2); short protein forms H117N, H222N, H236N, H271N.
Identifiers: ClinVar variation 1720385 (VCV001720385.6), dbSNP rs1462339874, ClinGen allele CA405274378.